The following is an entry in ClinVar:

NM_001197104.2(KMT2A):c.5665-2A>G

Gene: KMT2A (lysine methyltransferase 2A; plus strand). Cytogenetic location: 11q23.3.
Variant type: single nucleotide variant.
Coding change: c.5665-2A>G on transcript NM_001197104.2 (MANE Select); the canonical splice acceptor site of the intron before coding-DNA position 5665, A replaced by G.
Molecular consequence: splice acceptor variant.
Genome position (GRCh38, 1-based): chr11:118,497,934, A>G. VCF-style: chr11-118497934-A-G. GRCh37 (hg19) VCF-style: chr11-118368649-A-G.
Other names: c.5755-2A>G (NM_001412597.1); c.5656-2A>G (NM_005933.4).
Identifiers: ClinVar variation 2227303 (VCV002227303.2), dbSNP rs4628712, ClinGen allele CA382797424.

ClinVar aggregate classification (germline): Pathogenic (1 of 4 stars; one submission).

Conditions:
Inborn genetic diseases. Identifiers: MedGen C0950123, MeSH D030342.

Submission:

Ambry Genetics
Classification: Pathogenic for Inborn genetic diseases. Last evaluated: 2020-08-14. Review status: criteria provided, single submitter. Criteria: Ambry Variant Classification Scheme 2023. Collection method: clinical testing. Allele origin: germline.
Comment: The alteration is predicted to affect the native acceptor splice site: _x000D_ _x000D_ The c.5665-2A>G intronic alteration results from an A to G substitution two nucleotides before coding exon 21 of the KMT2A gene. Alterations that disrupt the canonical splice site are expected to cause aberrant splicing, resulting in an abnormal protein or a transcript that is subject to nonsense-mediated mRNA decay (Maquat, 2004). The alteration is not observed in population databases:_x000D_ _x000D_ Based on data from the Genome Aggregation Database (gnomAD), the KMT2A c.5665-2A>G alteration was not observed, with coverage at this position. The altered nucleotide is conserved throughout evolution:_x000D_ _x000D_ The c.5665-2A nucleotide is conserved in available vertebrate species. The alteration's predicted effect on splicing:_x000D_ _x000D_ In silico splice site analysis predicts that this alteration will weaken the native splice acceptor site and may result in the creation or strengthening of a novel splice acceptor site. Based on the available evidence, this alteration is classified as pathogenic.